The following is an entry in ClinVar:

NM_013275.6(ANKRD11):c.1099T>C (p.Leu367=)

Gene: ANKRD11 (ankyrin repeat domain 11; minus strand). Cytogenetic location: 16q24.3.
Variant type: single nucleotide variant.
Coding change: c.1099T>C on transcript NM_013275.6 (MANE Select); coding-DNA position 1099, T replaced by C.
Protein change: p.Leu367=; no amino-acid change (leucine 367 retained).
Molecular consequence: synonymous variant.
Genome position (GRCh38, 1-based): chr16:89,285,443, A>G on the plus strand (T>C on the coding strand, the complement: ANKRD11 is on the minus strand). VCF-style: chr16-89285443-A-G. GRCh37 (hg19) VCF-style: chr16-89351851-A-G.
Other names: c.1099T>C, p.Leu367= (NM_001256182.2, NM_001256183.2).
Identifiers: ClinVar variation 706156 (VCV000706156.36), dbSNP rs748284107, ClinGen allele CA8242857.
Genomic context (GRCh38, chr16:89,285,443, plus strand): 5'-CCATTTTGGGTATAGAGATAAAACTATTGGATTTCGTTTCTTTTCTGTAGTCCTTTTTCA[A>G]TAGGTGCTTGTCGTCCACCGGAGGAACCCTGTCCTGCTCGTCGTCCTCATCAAACTCATA-3'
Protein context (NP_037407.4, residues 357-377): RVPPVDDKHL[Leu367=]KKDYRKETKS

ClinVar aggregate classification (germline): Likely benign. Review status: criteria provided, multiple submitters, no conflicts (2 of 4 stars). 6 submissions from 6 submitters: Likely benign (5). 1 of the submissions does not count toward it. Last evaluated 2025-03-15.

Conditions:
ANKRD11-related disorder. Also called: ANKRD11-related condition.
Inborn genetic diseases. Identifiers: MedGen C0950123, MeSH D030342.
KBG syndrome (KBGS). Also called: ANKRD11-Related KBG Syndrome. Identifiers: Orphanet 2332, MedGen C0220687, MONDO:0007846, OMIM 148050.

Allele frequency attached by ClinVar (database versions not stated): ExAC 0.00008; gnomAD exomes 0.00011; gnomAD 0.00012 and 0.00013; TOPMed 0.00014; 1000 Genomes Project 30x 0.00031.
gnomAD v4.1: 423 of 1,613,962 alleles (0.026%); highest among the groups gnomAD compares: Non-Finnish European, 0.033%; no homozygotes.

Submissions (6):

Labcorp Genetics (formerly Invitae), Labcorp
Classification: Likely benign for KBG syndrome. Last evaluated: 2025-03-15. Review status: criteria provided, single submitter. Criteria: Invitae Variant Classification Sherloc (09022015). Collection method: clinical testing. Allele origin: germline.

Blueprint Genetics
Classification: Likely benign. Last evaluated: 2024-11-15. Review status: criteria provided, single submitter. Criteria: ACMG Guidelines, 2015. Collection method: clinical testing. Allele origin: germline.

CeGaT Center for Human Genetics Tuebingen
Classification: Likely benign. Last evaluated: 2024-01-01. Review status: criteria provided, single submitter. Criteria: CeGaT Center For Human Genetics Tuebingen Variant Classification Criteria Version 2. Collection method: clinical testing. Allele origin: germline. Affected: yes. Observed: 1 variant allele.
Comment: ANKRD11: BP4, BP7

GeneDx
Classification: Likely benign. Last evaluated: 2020-06-29. Review status: criteria provided, single submitter. Criteria: GeneDx Variant Classification Process June 2021. Collection method: clinical testing. Allele origin: germline. Affected: yes.

Ambry Genetics
Classification: Likely benign for Inborn genetic diseases. Last evaluated: 2019-05-20. Review status: criteria provided, single submitter. Criteria: Ambry Variant Classification Scheme 2023. Collection method: clinical testing. Allele origin: germline.

PreventionGenetics, part of Exact Sciences
Classification: Likely benign for ANKRD11-related condition. Last evaluated: 2024-01-02. Review status: no assertion criteria provided. Collection method: clinical testing. Allele origin: germline. Not counted in ClinVar's aggregate classification.
Comment: This variant is classified as likely benign based on ACMG/AMP sequence variant interpretation guidelines (Richards et al. 2015 PMID: 25741868, with internal and published modifications).